The following is an entry in ClinVar:

NM_003579.4(RAD54L):c.2213G>T (p.Arg738Leu)

Genes: LRRC41 (leucine rich repeat containing 41; minus strand), RAD54L (RAD54 like; plus strand). Cytogenetic location: 1p34.1.
Variant type: single nucleotide variant.
Coding change: c.2213G>T on transcript NM_003579.4 (MANE Select); coding-DNA position 2213, G replaced by T.
Protein change: p.Arg738Leu; replaces arginine 738 with leucine.
Molecular consequence: missense variant. On other transcripts: 3 prime UTR variant (1).
Genome position (GRCh38, 1-based): chr1:46,278,251, G>T. VCF-style: chr1-46278251-G-T. GRCh37 (hg19) VCF-style: chr1-46743923-G-T.
Other names: c.*614C>A (NM_006369.5); c.2213G>T, p.Arg738Leu (NM_001142548.2); c.1673G>T, p.Arg558Leu (NM_001370766.1); short protein forms R558L, R738L.
Identifiers: ClinVar variation 1787803 (VCV001787803.2), dbSNP rs28910278, ClinGen allele CA340191473.

ClinVar aggregate classification (germline): Uncertain significance (1 of 4 stars; one submission).

Submission:

Ambry Genetics
Classification: Uncertain significance. Last evaluated: 2021-10-29. Review status: criteria provided, single submitter. Criteria: Ambry Variant Classification Scheme 2023. Collection method: clinical testing. Allele origin: germline.
Comment: The p.R738L variant (also known as c.2213G>T), located in coding exon 18 of the RAD54L gene, results from a G to T substitution at nucleotide position 2213. The arginine at codon 738 is replaced by leucine, an amino acid with dissimilar properties. This amino acid position is conserved. In addition, the in silico prediction for this alteration is inconclusive. Since supporting evidence is limited at this time, the clinical significance of this alteration remains unclear.